The following is an entry in ClinVar:

NM_000548.5(TSC2):c.4496T>A (p.Phe1499Tyr)

Gene: TSC2 (TSC complex subunit 2; plus strand). Cytogenetic location: 16p13.3.
Variant type: single nucleotide variant.
Coding change: c.4496T>A on transcript NM_000548.5 (MANE Select); coding-DNA position 4496, T replaced by A.
Protein change: p.Phe1499Tyr; replaces phenylalanine 1499 with tyrosine.
Molecular consequence: missense variant. On other transcripts: non-coding transcript variant (5).
Genome position (GRCh38, 1-based): chr16:2,084,953, T>A. VCF-style: chr16-2084953-T-A. GRCh37 (hg19) VCF-style: chr16-2134954-T-A.
Other names: c.4295T>A, p.Phe1432Tyr (NM_001077183.3); c.4427T>A, p.Phe1476Tyr (NM_001114382.3); c.4187T>A, p.Phe1396Tyr (NM_001318827.2); c.4151T>A, p.Phe1384Tyr (NM_001318829.2); c.3764T>A, p.Phe1255Tyr (NM_001318831.2); c.4328T>A, p.Phe1443Tyr (NM_001318832.2); c.4298T>A, p.Phe1433Tyr (NM_001363528.2); c.4364T>A, p.Phe1455Tyr (NM_001370404.1); and 26 more; short protein forms F1255Y, F1395Y, F1427Y, F1428Y, F1429Y, F1433Y, F1439Y, F1007Y.
Identifiers: ClinVar variation 3811337 (VCV003811337.1).

ClinVar aggregate classification (germline): Uncertain significance (1 of 4 stars; one submission).

Conditions:
Hereditary cancer-predisposing syndrome. Also called: Neoplastic Syndromes, Hereditary; Hereditary Cancer Syndrome; Tumor predisposition; Hereditary neoplastic syndrome. Identifiers: Orphanet 140162, MedGen C0027672, MeSH D009386, MONDO:0015356.

Submission:

Ambry Genetics
Classification: Uncertain significance for Hereditary cancer-predisposing syndrome. Last evaluated: 2025-01-10. Review status: criteria provided, single submitter. Criteria: Ambry Variant Classification Scheme 2023. Collection method: clinical testing. Allele origin: germline.
Comment: The p.F1499Y variant (also known as c.4496T>A), located in coding exon 34 of the TSC2 gene, results from a T to A substitution at nucleotide position 4496. The phenylalanine at codon 1499 is replaced by tyrosine, an amino acid with highly similar properties. This amino acid position is conserved. In addition, this alteration is predicted to be deleterious by in silico analysis. Based on the available evidence, the clinical significance of this variant remains unclear.